The following is an entry in ClinVar:

NM_024408.4(NOTCH2):c.7280G>C (p.Ser2427Thr)

Gene: NOTCH2 (notch receptor 2; minus strand). Cytogenetic location: 1p12.
Variant type: single nucleotide variant.
Coding change: c.7280G>C on transcript NM_024408.4 (MANE Select); coding-DNA position 7280, G replaced by C.
Protein change: p.Ser2427Thr; replaces serine 2427 with threonine.
Molecular consequence: missense variant.
Genome position (GRCh38, 1-based): chr1:119,915,442, C>G on the plus strand (G>C on the coding strand, the complement: NOTCH2 is on the minus strand). VCF-style: chr1-119915442-C-G. GRCh37 (hg19) VCF-style: chr1-120458065-C-G.
Other names: short protein forms S2427T.
Identifiers: ClinVar variation 950930 (VCV000950930.10), dbSNP rs1649029477, ClinGen allele CA341872170.
Genomic context (GRCh38, chr1:119,915,442, plus strand): 5'-CCCCCAGGGGTAGGGCTGGTGGTCACATCTGACCAGTCAGAAGCAGAGTGGGGTGATGAA[C>G]TTGACCACTGGTCAGGAGACTCTGGGGATGGTGTCAGGTAGGGATGCTCACCCTGGAGGT-3'
Protein context (NP_077719.2, residues 2417-2437): PSPESPDQWS[Ser2427Thr]SSPHSASDWS

ClinVar aggregate classification (germline): Uncertain significance (1 of 4 stars; one submission).

Conditions:
Hajdu-Cheney syndrome (HJCYS). Also called: ACROOSTEOLYSIS WITH OSTEOPOROSIS AND CHANGES IN SKULL AND MANDIBLE; SERPENTINE FIBULA-POLYCYSTIC KIDNEY SYNDROME; Acroosteolysis dominant type. Identifiers: Orphanet 955, MedGen C0917715, MONDO:0007057, OMIM 102500.

Allele frequency attached by ClinVar (database versions not stated): gnomAD 0.00001.
gnomAD v4.1: 7 of 1,614,204 alleles (0.00043%); highest among the groups gnomAD compares: Non-Finnish European, 0.00059%; no homozygotes.

Submission:

Labcorp Genetics (formerly Invitae), Labcorp
Classification: Uncertain significance for Hajdu-Cheney syndrome. Last evaluated: 2019-05-07. Review status: criteria provided, single submitter. Criteria: Invitae Variant Classification Sherloc (09022015). Collection method: clinical testing. Allele origin: germline.
Comment: In summary, the available evidence is currently insufficient to determine the role of this variant in disease. Therefore, it has been classified as a Variant of Uncertain Significance. Algorithms developed to predict the effect of missense changes on protein structure and function (SIFT, PolyPhen-2, Align-GVGD) all suggest that this variant is likely to be disruptive, but these predictions have not been confirmed by published functional studies and their clinical significance is uncertain. This variant has not been reported in the literature in individuals with NOTCH2-related conditions. This variant is not present in population databases (ExAC no frequency). This sequence change replaces serine with threonine at codon 2427 of the NOTCH2 protein (p.Ser2427Thr). The serine residue is highly conserved and there is a small physicochemical difference between serine and threonine.